The following is an entry in ClinVar:

NM_001139.3(ALOX12B):c.1463G>A (p.Arg488His)

Gene: ALOX12B (arachidonate 12-lipoxygenase, 12R type; minus strand). Cytogenetic location: 17p13.1.
Variant type: single nucleotide variant.
Coding change: c.1463G>A on transcript NM_001139.3 (MANE Select); coding-DNA position 1463, G replaced by A.
Protein change: p.Arg488His; replaces arginine 488 with histidine.
Molecular consequence: missense variant.
Genome position (GRCh38, 1-based): chr17:8,076,244, C>T on the plus strand (G>A on the coding strand, the complement: ALOX12B is on the minus strand). VCF-style: chr17-8076244-C-T. GRCh37 (hg19) VCF-style: chr17-7979562-C-T.
Other names: p.Arg488His; short protein forms R488H.
Identifiers: ClinVar variation 995489 (VCV000995489.8), dbSNP rs763468558, ClinGen allele CA8367295.
Genomic context (GRCh38, chr17:8,076,244, plus strand): 5'-GCATTCCACACCGCCAAGCTGTCATCGCGGTAGTAATATCCAGGCAGGTCCTGGACCCCA[C>T]GCTCCACAAAGTCATTGGGGAGGTAGAGGCTGTCATAGGTGAGCTCCGACAGAGCCCGTA-3'
Protein context (NP_001130.1, residues 478-498): SLYLPNDFVE[Arg488His]GVQDLPGYYY

ClinVar aggregate classification (germline): Pathogenic. Review status: criteria provided, multiple submitters, no conflicts (2 of 4 stars). 6 submissions from 6 submitters: Pathogenic (5). 1 of the submissions does not count toward it. Last evaluated 2026-09-28.

Conditions:
ALOX12B-related disorder. Also called: ALOX12B-related condition.
Lamellar ichthyosis. Identifiers: Orphanet 313, MedGen C5848247, MONDO:0017778.
Autosomal recessive congenital ichthyosis 2 (ARCI2). Identifiers: Orphanet 281122, Orphanet 79394, MedGen C3888093, MONDO:0009439, OMIM 242100.

Allele frequency attached by ClinVar (database versions not stated): gnomAD exomes below 0.00001 and 0.00002; ExAC 0.00001; gnomAD 0.00001; TOPMed 0.00001.

Submissions (6):

Department of Molecular Genetics, Istishari Arab Hospital
Classification: Pathogenic for Autosomal recessive congenital ichthyosis 2. Last evaluated: 2026-09-28. Review status: criteria provided, single submitter. Criteria: ACMG Guidelines, 2015. Collection method: clinical testing. Allele origin: germline. Inheritance: Autosomal recessive inheritance. Affected: no.
Comment: The ALOX12B variant c.1463G>A, p.Arg488His causes an amino acid change from Arg to His at position 488. This variant was previously reported in patients with autosomal recessive congenital 2 (PMID: 16116617, 23621129‚ 31642606). It is classified as pathogenic according to the recommendations of ACMG/AMP/ClinGen SVI guidelines.

GeneDx
Classification: Pathogenic. Last evaluated: 2025-06-10. Review status: criteria provided, single submitter. Criteria: GeneDx Variant Classification Process June 2021. Collection method: clinical testing. Allele origin: germline. Affected: yes.
Comment: Published functional studies demonstrate a damaging effect (PMID: 16116617); Not observed at significant frequency in large population cohorts (gnomAD); In silico analysis supports that this missense variant has a deleterious effect on protein structure/function; This variant is associated with the following publications: (PMID: 16116617, 16792775, 28236338, 23621129, 37848341, 38178268, 33786896, 34671977, 31642606, 35734965, 33435499)

PreventionGenetics, part of Exact Sciences
Classification: Pathogenic for ALOX12B-related condition. Last evaluated: 2023-01-31. Review status: criteria provided, single submitter. Criteria: ACMG Guidelines, 2015. Collection method: clinical testing. Allele origin: germline.
Comment: The ALOX12B c.1463G>A variant is predicted to result in the amino acid substitution p.Arg488His. This variant has been previously reported in the homozygous or compound heterozygous state in individuals with autosomal recessive congenital ichthyosis (Eckl et al. 2005. PubMed ID: 16116617; Ashoor et al. 2006. PubMed ID: 16792775; Figure 2A, Hotz et al. 2021. PubMed ID: 33435499; Saat et al. 2022. PubMed ID: 35734965; Israeli et al. 2013. PubMed ID: 23621129). This variant is reported in 0.0050% of alleles in individuals of East Asian descent in gnomAD. This variant is interpreted as pathogenic.

Women's Health and Genetics/Laboratory Corporation of America, LabCorp
Classification: Pathogenic for Lamellar ichthyosis. Last evaluated: 2022-03-18. Review status: criteria provided, single submitter. Criteria: LabCorp Variant Classification Summary - May 2015. Collection method: clinical testing. Allele origin: germline.
Comment: Variant summary: ALOX12B c.1463G>A (p.Arg488His) results in a non-conservative amino acid change in the encoded protein sequence. Five of five in-silico tools predict a damaging effect of the variant on protein function. The variant allele was found at a frequency of 4e-06 in 251322 control chromosomes (gnomAD). c.1463G>A has been reported in the literature in multiple individuals affected with autosomal recessive congenital ichthyoses, including several homozygotes (Eckl_2005, Seidl-Philipp_2020) and at least one compound heterozygote (Israeli_2013). These data indicate that the variant is very likely to be associated with disease. Eckl et al (2005) also examined the variant protein's ability to convert arachidonic acid and determined that the variant protein had complete loss of enzymatic activity. One ClinVar submitter has assessed the variant since 2014: the variant was classified as pathogenic. Based on the evidence outlined above, the variant was classified as pathogenic.

Juno Genomics, Hangzhou Juno Genomics, Inc
Classification: Pathogenic for Autosomal recessive congenital ichthyosis 2. Review status: criteria provided, single submitter. Criteria: ACMG Guidelines, 2015. Collection method: clinical testing. Allele origin: germline. Affected: yes.
Comment: Multiple lines of computational evidence support a deleterious effect on the gene or gene product (conservation, evolutionary, splicing impact, etc).;Absent from controls (or at extremely low frequency if recessive) in Genome Aggregation Database, Exome Sequencing Project, 1000 Genomes Project, or Exome Aggregation Consortium.;For recessive disorders, detected in trans with a pathogenic variant.

Institute for Human Genetics, University Medical Center Freiburg
Classification: Pathogenic for Autosomal recessive congenital ichthyosis 2. Last evaluated: 2021-01-07. Review status: no assertion criteria provided. Collection method: clinical testing. Allele origin: unknown. Affected: yes. Not counted in ClinVar's aggregate classification.

Literature cited by the submitters: PubMed 16116617 (cited by 3 submitters); PubMed 23621129 (cited by Department of Molecular Genetics, Istishari Arab Hospital and Women's Health and Genetics/Laboratory Corporation of America, LabCorp); PubMed 31642606 (cited by Department of Molecular Genetics, Istishari Arab Hospital and Women's Health and Genetics/Laboratory Corporation of America, LabCorp).